The following is an entry in ClinVar:

NM_015046.7(SETX):c.173A>G (p.His58Arg)

Gene: SETX (senataxin; minus strand). Cytogenetic location: 9q34.13.
Variant type: single nucleotide variant.
Coding change: c.173A>G on transcript NM_015046.7 (MANE Select); coding-DNA position 173, A replaced by G.
Protein change: p.His58Arg; replaces histidine 58 with arginine.
Molecular consequence: missense variant.
Genome position (GRCh38, 1-based): chr9:132,349,256, T>C on the plus strand (A>G on the coding strand, the complement: SETX is on the minus strand). VCF-style: chr9-132349256-T-C. GRCh37 (hg19) VCF-style: chr9-135224643-T-C.
Other names: c.173A>G, p.His58Arg (NM_001351527.2, NM_001351528.2); short protein forms H58R.
Identifiers: ClinVar variation 2931721 (VCV002931721.3), dbSNP rs2539258376, ClinGen allele CA375351791.
Genomic context (GRCh38, chr9:132,349,256, plus strand): 5'-TACTCTCTTCCCAGCTATCAAGCTCTGAAAAATATTGCCCATCTAATATATTTTACCTCA[T>C]GCAAGAATGGCAATTCATCTCTTGCTTTGTGGTACTCAGCCACACACTCCAAGCAGTAGC-3'
Protein context (NP_055861.3, residues 48-68): HKARDELPFL[His58Arg]EVLWELETLR

ClinVar aggregate classification (germline): Uncertain significance (1 of 4 stars; one submission).

Conditions:
Amyotrophic lateral sclerosis type 4 (ALS4). Also called: AMYOTROPHIC LATERAL SCLEROSIS 4, JUVENILE; NEURONOPATHY, DISTAL HEREDITARY MOTOR, WITH PYRAMIDAL FEATURES. Identifiers: Orphanet 357043, MedGen C1865409, MONDO:0011223, OMIM 602433.
Spinocerebellar ataxia, autosomal recessive, with axonal neuropathy 2 (SCAN2). Also called: ATAXIA-OCULOMOTOR APRAXIA 2; Ataxia with Oculomotor Apraxia Type 2; Ataxia-ocular apraxia-2; Ataxia with Oculomotor Apraxia. Identifiers: Orphanet 64753, MedGen C1853761, MONDO:0018996, OMIM 606002.

Submission:

Labcorp Genetics (formerly Invitae), Labcorp
Classification: Uncertain significance for Amyotrophic lateral sclerosis type 4; Spinocerebellar ataxia, autosomal recessive, with axonal neuropathy 2. Last evaluated: 2023-09-12. Review status: criteria provided, single submitter. Criteria: Invitae Variant Classification Sherloc (09022015). Collection method: clinical testing. Allele origin: germline.
Comment: In summary, the available evidence is currently insufficient to determine the role of this variant in disease. Therefore, it has been classified as a Variant of Uncertain Significance. Advanced modeling of protein sequence and biophysical properties (such as structural, functional, and spatial information, amino acid conservation, physicochemical variation, residue mobility, and thermodynamic stability) has been performed at Invitae for this missense variant, however the output from this modeling did not meet the statistical confidence thresholds required to predict the impact of this variant on SETX protein function. This variant has not been reported in the literature in individuals affected with SETX-related conditions. This variant is not present in population databases (gnomAD no frequency). This sequence change replaces histidine, which is basic and polar, with arginine, which is basic and polar, at codon 58 of the SETX protein (p.His58Arg).